The following is an entry in ClinVar:

NM_001429.4(EP300):c.2237A>G (p.Asn746Ser)

Gene: EP300 (EP300 lysine acetyltransferase; plus strand). Cytogenetic location: 22q13.2.
Variant type: single nucleotide variant.
Coding change: c.2237A>G on transcript NM_001429.4 (MANE Select); coding-DNA position 2237, A replaced by G.
Protein change: p.Asn746Ser; replaces asparagine 746 with serine.
Molecular consequence: missense variant.
Genome position (GRCh38, 1-based): chr22:41,147,942, A>G. VCF-style: chr22-41147942-A-G. GRCh37 (hg19) VCF-style: chr22-41543946-A-G.
Other names: c.2159A>G, p.Asn720Ser (NM_001362843.2); c.2237A>G (NM_001429.3); short protein forms N720S, N746S.
Identifiers: ClinVar variation 3706259 (VCV003706259.4).

ClinVar aggregate classification (germline): Conflicting classifications of pathogenicity. Review status: criteria provided, conflicting classifications (1 of 4 stars). 3 submissions from 3 submitters: Uncertain significance (2); Benign (1). Last evaluated 2025-10-29.

Conditions:
EP300-related disorder. Also called: EP300-related condition; EP300-related disorders.
Inborn genetic diseases. Identifiers: MedGen C0950123, MeSH D030342.
Rubinstein-Taybi syndrome due to EP300 haploinsufficiency. Also called: EP300-Related Rubinstein-Taybi Syndrome; RUBINSTEIN-TAYBI SYNDROME 2. Identifiers: Orphanet 353284, Orphanet 783, MedGen C3150941, MONDO:0013364, OMIM 613684.

gnomAD v4.1: 23 of 1,601,156 alleles (0.0014%); highest among the groups gnomAD compares: Admixed American, 0.0035%; no homozygotes.

Submissions (3):

Ambry Genetics
Classification: Uncertain significance for Inborn genetic diseases. Last evaluated: 2025-10-29. Review status: criteria provided, single submitter. Criteria: Ambry Variant Classification Scheme 2023. Collection method: clinical testing. Allele origin: germline.

PreventionGenetics, part of Exact Sciences
Classification: Uncertain significance for EP300-related condition. Last evaluated: 2025-05-16. Review status: criteria provided, single submitter. Criteria: ACMG Guidelines, 2015. Collection method: clinical testing. Allele origin: germline.
Comment: The EP300 c.2237A>G variant is predicted to result in the amino acid substitution p.Asn746Ser. To our knowledge, this variant has not been reported in the literature. This variant is reported in 0.0030% of alleles in individuals of Latino descent in gnomAD. At this time, the clinical significance of this variant is uncertain due to the absence of conclusive functional and genetic evidence.

Labcorp Genetics (formerly Invitae), Labcorp
Classification: Benign for Rubinstein-Taybi syndrome due to EP300 haploinsufficiency. Last evaluated: 2025-04-14. Review status: criteria provided, single submitter. Criteria: Invitae Variant Classification Sherloc (09022015). Collection method: clinical testing. Allele origin: germline.